The following is an entry in ClinVar:

NM_001004334.4(GPR179):c.3605T>C (p.Met1202Thr)

Gene: GPR179 (G protein-coupled receptor 179; minus strand). Cytogenetic location: 17q12.
Variant type: single nucleotide variant.
Coding change: c.3605T>C on transcript NM_001004334.4 (MANE Select); coding-DNA position 3605, T replaced by C.
Protein change: p.Met1202Thr; replaces methionine 1202 with threonine.
Molecular consequence: missense variant.
Genome position (GRCh38, 1-based): chr17:38,329,964, A>G on the plus strand (T>C on the coding strand, the complement: GPR179 is on the minus strand). VCF-style: chr17-38329964-A-G. GRCh37 (hg19) VCF-style: chr17-36485847-A-G.
Other names: short protein forms M1202T.
Identifiers: ClinVar variation 1384843 (VCV001384843.6), dbSNP rs2144260991, ClinGen allele CA398879102.

ClinVar aggregate classification (germline): Uncertain significance (1 of 4 stars; one submission).

Submission:

Labcorp Genetics (formerly Invitae), Labcorp
Classification: Uncertain significance. Last evaluated: 2022-09-06. Review status: criteria provided, single submitter. Criteria: Invitae Variant Classification Sherloc (09022015). Collection method: clinical testing. Allele origin: germline.
Comment: This variant has not been reported in the literature in individuals affected with GPR179-related conditions. ClinVar contains an entry for this variant (Variation ID: 1384843). Algorithms developed to predict the effect of missense changes on protein structure and function output the following: SIFT: "Tolerated"; PolyPhen-2: "Benign"; Align-GVGD: "Class C0". The threonine amino acid residue is found in multiple mammalian species, which suggests that this missense change does not adversely affect protein function. In summary, the available evidence is currently insufficient to determine the role of this variant in disease. Therefore, it has been classified as a Variant of Uncertain Significance. This variant is not present in population databases (gnomAD no frequency). This sequence change replaces methionine, which is neutral and non-polar, with threonine, which is neutral and polar, at codon 1202 of the GPR179 protein (p.Met1202Thr).